The following is an entry in ClinVar:

ClinVar aggregate classification (germline): Conflicting classifications of pathogenicity. Review status: criteria provided, conflicting classifications (1 of 4 stars). 3 submissions from 3 submitters: Uncertain significance (2); Benign (1). Last evaluated 2024-07-24.

Conditions:
Catecholaminergic polymorphic ventricular tachycardia (CVPT). Also called: Catecholamine-induced polymorphic ventricular tachycardia. Identifiers: Orphanet 3286, MedGen C5574922, MONDO:0017990.
Cardiomyopathy (CMYO). Also called: Cardiomyopathies. Identifiers: Orphanet 167848, MedGen C0878544, MONDO:0004994, HP:0001638. Inheritance: Various modes of inheritance.
Catecholaminergic polymorphic ventricular tachycardia 1. Also called: VENTRICULAR TACHYCARDIA, CATECHOLAMINERGIC POLYMORPHIC, 1, WITH OR WITHOUT ATRIAL DYSFUNCTION AND/OR DILATED CARDIOMYOPATHY; VENTRICULAR TACHYCARDIA, STRESS-INDUCED POLYMORPHIC 1; RYR2-Related Catecholaminergic Polymorphic Ventricular Tachycardia. Identifiers: Orphanet 3286, MedGen C1631597, MONDO:0011484, OMIM 604772.

Allele frequency attached by ClinVar (database versions not stated): gnomAD exomes below 0.00001 and 0.00002; gnomAD 0.00001; ExAC 0.00005; 1000 Genomes Project 30x 0.00016; 1000 Genomes Project 0.00020.
gnomAD v4.1: 5 of 1,598,906 alleles (0.00031%); highest among the groups gnomAD compares: South Asian, 0.0011%; no homozygotes.

Submissions (3):

Labcorp Genetics (formerly Invitae), Labcorp
Classification: Benign for Catecholaminergic polymorphic ventricular tachycardia 1. Last evaluated: 2024-07-24. Review status: criteria provided, single submitter. Criteria: Invitae Variant Classification Sherloc (09022015). Collection method: clinical testing. Allele origin: germline.

All of Us Research Program, National Institutes of Health
Classification: Uncertain significance for Catecholaminergic polymorphic ventricular tachycardia. Last evaluated: 2024-04-16. Review status: criteria provided, single submitter. Criteria: ACMG Guidelines, 2015. Collection method: clinical testing. Allele origin: germline. Inheritance: Autosomal dominant inheritance. Observed: 1 variant allele, 1 heterozygote.
Comment: This missense variant replaces glutamic acid with alanine at codon 2959 of the RYR2 protein. Computational prediction is inconclusive regarding the impact of this variant on protein structure and function (internally defined REVEL score threshold 0.5 < inconclusive < 0.7, PMID: 27666373). Splice site prediction tools suggest that this variant may not impact RNA splicing. To our knowledge, functional studies have not been performed for this variant. This variant has not been reported in individuals affected with cardiovascular disorders in the literature. This variant has been identified in 4/241974 chromosomes in the general population by the Genome Aggregation Database (gnomAD). The available evidence is insufficient to determine the role of this variant in disease conclusively. Therefore, this variant is classified as a Variant of Uncertain Significance.

This study involves interpretation of variants in research participants for the purpose of population health screening. Participant phenotype was not available at the time of variant classification. Additional details can be found in publication PMID: 35346344, PMCID: PMC8962531

Color Diagnostics, LLC DBA Color Health
Classification: Uncertain significance for Cardiomyopathy. Last evaluated: 2024-04-04. Review status: criteria provided, single submitter. Criteria: ACMG Guidelines, 2015. Collection method: clinical testing. Allele origin: germline.
Comment: This missense variant replaces glutamic acid with alanine at codon 2959 of the RYR2 protein. Computational prediction is inconclusive regarding the impact of this variant on protein structure and function (internally defined REVEL score threshold 0.5 < inconclusive < 0.7, PMID: 27666373). To our knowledge, functional studies have not been reported for this variant. This variant has been reported in an individual who had received a pacemaker without known structural heart disease or other identified reasons for pacemaker requirement (PMID: 34814702). This variant has been identified in 4/241974 chromosomes in the general population by the Genome Aggregation Database (gnomAD). The available evidence is insufficient to determine the role of this variant in disease conclusively. Therefore, this variant is classified as a Variant of Uncertain Significance.

Literature cited by the submitters: PubMed 34814702 (cited by Color Diagnostics, LLC DBA Color Health).

NM_001035.3(RYR2):c.8876A>C (p.Glu2959Ala)

Gene: RYR2 (ryanodine receptor 2; plus strand). Cytogenetic location: 1q43.
Variant type: single nucleotide variant.
Coding change: c.8876A>C on transcript NM_001035.3 (MANE Select); coding-DNA position 8876, A replaced by C.
Protein change: p.Glu2959Ala; replaces glutamic acid 2959 with alanine.
Molecular consequence: missense variant.
Genome position (GRCh38, 1-based): chr1:237,678,093, A>C. VCF-style: chr1-237678093-A-C. GRCh37 (hg19) VCF-style: chr1-237841393-A-C.
Other names: short protein forms E2959A.
Identifiers: ClinVar variation 927239 (VCV000927239.7), dbSNP rs536037366, ClinGen allele CA087756.